The following is an entry in ClinVar:

NM_000088.4(COL1A1):c.2020G>T (p.Gly674Ter)

Gene: COL1A1 (collagen type I alpha 1 chain; minus strand). Cytogenetic location: 17q21.33.
Variant type: single nucleotide variant.
Coding change: c.2020G>T on transcript NM_000088.4 (MANE Select); coding-DNA position 2020, G replaced by T.
Protein change: p.Gly674Ter; replaces glycine 674 with a stop codon.
Molecular consequence: nonsense.
Genome position (GRCh38, 1-based): chr17:50,191,988, C>A on the plus strand (G>T on the coding strand, the complement: COL1A1 is on the minus strand). VCF-style: chr17-50191988-C-A. GRCh37 (hg19) VCF-style: chr17-48269349-C-A.
Other names: short protein forms G674*.
Identifiers: ClinVar variation 2032007 (VCV002032007.4), dbSNP rs1248406777, ClinGen allele CA400212246.

ClinVar aggregate classification (germline): Pathogenic (1 of 4 stars; one submission).

Conditions:
Osteogenesis imperfecta type I (OI1). Also called: OI, TYPE I; OSTEOGENESIS IMPERFECTA TARDA; OSTEOGENESIS IMPERFECTA WITH BLUE SCLERAE; Osteogenesis imperfecta type 1; Classic Non-deforming Osteogenesis Imperfecta with Blue Sclerae; Lobstein disease. Identifiers: Orphanet 216796, Orphanet 666, MedGen C0023931, MONDO:0008146, OMIM 166200. Disease mechanism: loss of function.

Submission:

Labcorp Genetics (formerly Invitae), Labcorp
Classification: Pathogenic for Osteogenesis imperfecta type I. Last evaluated: 2022-12-02. Review status: criteria provided, single submitter. Criteria: Invitae Variant Classification Sherloc (09022015). Collection method: clinical testing. Allele origin: germline.
Comment: This sequence change creates a premature translational stop signal (p.Gly674*) in the COL1A1 gene. It is expected to result in an absent or disrupted protein product. Loss-of-function variants in COL1A1 are known to be pathogenic (PMID: 7942841, 9295084, 9443882). This variant is not present in population databases (gnomAD no frequency). This variant has not been reported in the literature in individuals affected with COL1A1-related conditions. For these reasons, this variant has been classified as Pathogenic.

Literature cited by the submitters: PubMed 7942841; PubMed 9295084; PubMed 9443882.